The following is an entry in ClinVar:

ClinVar aggregate classification (germline): Uncertain significance (1 of 4 stars; one submission).

Conditions:
Combined immunodeficiency due to ZAP70 deficiency (IMD48). Also called: Immunodeficiency 48; ZAP70 Deficiency. Identifiers: Orphanet 911, MedGen C2931299, MONDO:0010023, OMIM 269840.

Submission:

Labcorp Genetics (formerly Invitae), Labcorp
Classification: Uncertain significance for Combined immunodeficiency due to ZAP70 deficiency. Last evaluated: 2020-06-02. Review status: criteria provided, single submitter. Criteria: Invitae Variant Classification Sherloc (09022015). Collection method: clinical testing. Allele origin: germline.
Comment: This sequence change replaces cysteine with glycine at codon 102 of the ZAP70 protein (p.Cys102Gly). The cysteine residue is moderately conserved and there is a large physicochemical difference between cysteine and glycine. In summary, the available evidence is currently insufficient to determine the role of this variant in disease. Therefore, it has been classified as a Variant of Uncertain Significance. Algorithms developed to predict the effect of missense changes on protein structure and function are either unavailable or do not agree on the potential impact of this missense change (SIFT: "Not Available"; PolyPhen-2: "Benign"; Align-GVGD: "Not Available"). This variant has not been reported in the literature in individuals with ZAP70-related conditions. This variant is not present in population databases (ExAC no frequency).

NM_001079.4(ZAP70):c.304T>G (p.Cys102Gly)

Gene: ZAP70 (zeta chain of T cell receptor associated protein kinase 70; plus strand). Cytogenetic location: 2q11.2.
Variant type: single nucleotide variant.
Coding change: c.304T>G on transcript NM_001079.4 (MANE Select); coding-DNA position 304, T replaced by G.
Protein change: p.Cys102Gly; replaces cysteine 102 with glycine.
Molecular consequence: missense variant.
Genome position (GRCh38, 1-based): chr2:97,724,340, T>G. VCF-style: chr2-97724340-T-G. GRCh37 (hg19) VCF-style: chr2-98340803-T-G.
Other names: c.304T>G, p.Cys102Gly (NM_001378594.1); short protein forms C102G.
Identifiers: ClinVar variation 1064195 (VCV001064195.7), dbSNP rs1414958584, ClinGen allele CA347790611.